The following is an entry in ClinVar:

NM_002408.4(MGAT2):c.68T>C (p.Val23Ala)

Gene: MGAT2 (alpha-1,6-mannosyl-glycoprotein 2-beta-N-acetylglucosaminyltransferase; plus strand). Cytogenetic location: 14q21.3.
Variant type: single nucleotide variant.
Coding change: c.68T>C on transcript NM_002408.4 (MANE Select); coding-DNA position 68, T replaced by C.
Protein change: p.Val23Ala; replaces valine 23 with alanine.
Molecular consequence: missense variant.
Genome position (GRCh38, 1-based): chr14:49,621,336, T>C. VCF-style: chr14-49621336-T-C. GRCh37 (hg19) VCF-style: chr14-50088054-T-C.
Other names: short protein forms V23A.
Identifiers: ClinVar variation 639157 (VCV000639157.8), dbSNP rs371950590, ClinGen allele CA7172459.

ClinVar aggregate classification (germline): Uncertain significance. Review status: criteria provided, multiple submitters, no conflicts (2 of 4 stars). 3 submissions from 3 submitters: Uncertain significance (3). Last evaluated 2023-11-06.

Conditions:
Inborn genetic diseases. Identifiers: MedGen C0950123, MeSH D030342.
MGAT2-congenital disorder of glycosylation. Also called: MGAT2-CDG; CDG IIa; Congenital disorder of glycosylation, type IIa; MENTAL RETARDATION, GROWTH RETARDATION, PROMINENT COLUMELLA, AND OPEN MOUTH; Alkuraya syndrome. Identifiers: Orphanet 79329, MedGen C2931008, MONDO:0008908, OMIM 212066.

Allele frequency attached by ClinVar (database versions not stated): gnomAD exomes 0.00001 and 0.00002; ExAC 0.00004; gnomAD 0.00006; TOPMed 0.00008; ESP Exome Variant Server 0.00015; 1000 Genomes Project 30x 0.00031.

Submissions (3):

Ambry Genetics
Classification: Uncertain significance for Inborn genetic diseases. Last evaluated: 2023-11-06. Review status: criteria provided, single submitter. Criteria: Ambry Variant Classification Scheme 2023. Collection method: clinical testing. Allele origin: germline.

Labcorp Genetics (formerly Invitae), Labcorp
Classification: Uncertain significance for MGAT2-congenital disorder of glycosylation. Last evaluated: 2021-08-27. Review status: criteria provided, single submitter. Criteria: Invitae Variant Classification Sherloc (09022015). Collection method: clinical testing. Allele origin: germline.
Comment: This sequence change replaces valine with alanine at codon 23 of the MGAT2 protein (p.Val23Ala). The valine residue is moderately conserved and there is a small physicochemical difference between valine and alanine. This variant is present in population databases (rs371950590, ExAC 0.05%). This variant has not been reported in the literature in individuals affected with MGAT2-related conditions. Algorithms developed to predict the effect of missense changes on protein structure and function (SIFT, PolyPhen-2, Align-GVGD) all suggest that this variant is likely to be tolerated. In summary, the available evidence is currently insufficient to determine the role of this variant in disease. Therefore, it has been classified as a Variant of Uncertain Significance.

Fulgent Genetics
Classification: Uncertain significance for MGAT2-congenital disorder of glycosylation. Last evaluated: 2021-08-19. Review status: criteria provided, single submitter. Criteria: ACMG Guidelines, 2015. Collection method: clinical testing. Allele origin: unknown.